The following is an entry in ClinVar:

ClinVar aggregate classification (germline): Benign. Review status: criteria provided, multiple submitters, no conflicts (2 of 4 stars). 7 submissions from 7 submitters: Benign (7). Last evaluated 2026-02-03.

Conditions:
Hyperphosphatasia with impaired intellectual development syndrome 2. Also called: Hyperphosphatasia with intellectual disability syndrome 2; GLYCOSYLPHOSPHATIDYLINOSITOL BIOSYNTHESIS DEFECT 6. Identifiers: Orphanet 247262, MedGen C3553637, MONDO:0013882, OMIM 614749.

Allele frequency attached by ClinVar (database versions not stated): gnomAD exomes 0.00096 and 0.00271; ExAC 0.00332; gnomAD 0.01018 and 0.01090; ESP Exome Variant Server 0.01130; TOPMed 0.01148; 1000 Genomes Project 0.01318; 1000 Genomes Project 30x 0.01437.
gnomAD v4.1: 3,010 of 1,614,210 alleles (0.19%); highest among the groups gnomAD compares: African/African-American, 3.6%; 44 homozygotes.

Submissions (7):

Labcorp Genetics (formerly Invitae), Labcorp
Classification: Benign for Hyperphosphatasia with impaired intellectual development syndrome 2. Last evaluated: 2026-02-03. Review status: criteria provided, single submitter. Criteria: Invitae Variant Classification Sherloc (09022015). Collection method: clinical testing. Allele origin: germline.

Mayo Clinic Laboratories, Mayo Clinic
Classification: Benign. Last evaluated: 2018-07-25. Review status: criteria provided, single submitter. Criteria: ACMG Guidelines, 2015. Collection method: clinical testing. Allele origin: germline. Observed: 6 variant alleles.

Illumina Laboratory Services, Illumina
Classification: Benign for Hyperphosphatasia with impaired intellectual development syndrome 2. Last evaluated: 2018-01-12. Review status: criteria provided, single submitter. Criteria: ICSL Variant Classification Criteria 13 December 2019. Collection method: clinical testing. Allele origin: germline.
Comment: This variant was observed in the ICSL laboratory as part of a predisposition screen in an ostensibly healthy population. It had not been previously curated by ICSL or reported in the Human Gene Mutation Database (HGMD: prior to June 1st, 2018), and was therefore a candidate for classification through an automated scoring system. Utilizing variant allele frequency, disease prevalence and penetrance estimates, and inheritance mode, an automated score was calculated to assess if this variant is too frequent to cause the disease. Based on the score and internal cut-off values, a variant classified as benign is not then subjected to further curation. The score for this variant resulted in a classification of benign for this disease.

Athena Diagnostics
Classification: Benign. Last evaluated: 2017-09-25. Review status: criteria provided, single submitter. Criteria: Athena Diagnostics Criteria. Collection method: clinical testing. Allele origin: germline.

GeneDx
Classification: Benign. Last evaluated: 2016-07-06. Review status: criteria provided, single submitter. Criteria: GeneDx Variant Classification (06012015). Collection method: clinical testing. Allele origin: germline. Affected: yes.
Comment: This variant is considered likely benign or benign based on one or more of the following criteria: it is a conservative change, it occurs at a poorly conserved position in the protein, it is predicted to be benign by multiple in silico algorithms, and/or has population frequency not consistent with disease.

Breakthrough Genomics
Classification: Benign. Review status: criteria provided, single submitter. Criteria: ACMG Guidelines, 2015. Collection method: not provided. Allele origin: germline. Inheritance: Autosomal recessive inheritance. Affected: yes.

PreventionGenetics, part of Exact Sciences
Classification: Benign. Review status: criteria provided, single submitter. Criteria: ACMG Guidelines, 2015. Collection method: clinical testing. Allele origin: germline.

NM_032634.4(PIGO):c.423C>T (p.Gly141=)

Gene: PIGO (phosphatidylinositol glycan anchor biosynthesis class O; minus strand). Cytogenetic location: 9p13.3.
Variant type: single nucleotide variant.
Coding change: c.423C>T on transcript NM_032634.4 (MANE Select); coding-DNA position 423, C replaced by T.
Protein change: p.Gly141=; no amino-acid change (glycine 141 retained).
Molecular consequence: synonymous variant.
Genome position (GRCh38, 1-based): chr9:35,095,143, G>A on the plus strand (C>T on the coding strand, the complement: PIGO is on the minus strand). VCF-style: chr9-35095143-G-A. GRCh37 (hg19) VCF-style: chr9-35095140-G-A.
Other names: p.Gly141=; c.423C>T, p.Gly141= (NM_001201484.2, NM_152850.4).
Identifiers: ClinVar variation 262098 (VCV000262098.19), dbSNP rs116248521, ClinGen allele CA5040947.